The following is an entry in ClinVar:

ClinVar aggregate classification (germline): Uncertain significance (1 of 4 stars; one submission).

Allele frequency attached by ClinVar (database versions not stated): gnomAD exomes below 0.00001; TOPMed 0.00001.
gnomAD v4.1: 1 of 1,613,104 alleles (0.000062%); highest among the groups gnomAD compares: Admixed American, 0.0017%; no homozygotes.

Submission:

Labcorp Genetics (formerly Invitae), Labcorp
Classification: Uncertain significance. Last evaluated: 2023-02-18. Review status: criteria provided, single submitter. Criteria: Invitae Variant Classification Sherloc (09022015). Collection method: clinical testing. Allele origin: germline.
Comment: In summary, the available evidence is currently insufficient to determine the role of this variant in disease. Therefore, it has been classified as a Variant of Uncertain Significance. Algorithms developed to predict the effect of missense changes on protein structure and function output the following: SIFT: "Not Available"; PolyPhen-2: "Benign"; Align-GVGD: "Not Available". The serine amino acid residue is found in multiple mammalian species, which suggests that this missense change does not adversely affect protein function. This variant has not been reported in the literature in individuals affected with SLCO5A1-related conditions. This variant is present in population databases (no rsID available, gnomAD 0.003%). This sequence change replaces proline, which is neutral and non-polar, with serine, which is neutral and polar, at codon 81 of the SLCO5A1 protein (p.Pro81Ser).

NM_030958.3(SLCO5A1):c.241C>T (p.Pro81Ser)

Gene: SLCO5A1 (solute carrier organic anion transporter family member 5A1; minus strand). Cytogenetic location: 8q13.3.
Variant type: single nucleotide variant.
Coding change: c.241C>T on transcript NM_030958.3 (MANE Select); coding-DNA position 241, C replaced by T.
Protein change: p.Pro81Ser; replaces proline 81 with serine.
Molecular consequence: missense variant.
Genome position (GRCh38, 1-based): chr8:69,832,433, G>A on the plus strand (C>T on the coding strand, the complement: SLCO5A1 is on the minus strand). VCF-style: chr8-69832433-G-A. GRCh37 (hg19) VCF-style: chr8-70744668-G-A.
Other names: c.241C>T, p.Pro81Ser (NM_001146008.2, NM_001146009.1); short protein forms P81S.
Identifiers: ClinVar variation 2722182 (VCV002722182.3), dbSNP rs1400482571, ClinGen allele CA371268069.